The following is an entry in ClinVar:

ClinVar aggregate classification (germline): Uncertain significance. Review status: criteria provided, multiple submitters, no conflicts (2 of 4 stars). 3 submissions from 3 submitters: Uncertain significance (3). Last evaluated 2025-12-22.

Conditions:
Spermatogenic failure 28. Identifiers: MedGen C4748117, MONDO:0054732, OMIM 618086.
Premature ovarian failure 15. Identifiers: MedGen C4748170, MONDO:0054862, OMIM 618096.
Fanconi anemia (FA). Also called: Fanconi's anemia. Identifiers: Orphanet 84, MedGen C0015625, MeSH D005199, MONDO:0019391.

Allele frequency attached by ClinVar (database versions not stated): gnomAD exomes 0.00003 and 0.00012; ExAC 0.00006; TOPMed 0.00006; ESP Exome Variant Server 0.00008; gnomAD 0.00008 and 0.00009.
gnomAD v4.1: 187 of 1,609,070 alleles (0.012%); highest among the groups gnomAD compares: Non-Finnish European, 0.015%; no homozygotes.

Submissions (3):

Labcorp Genetics (formerly Invitae), Labcorp
Classification: Uncertain significance for Fanconi anemia. Last evaluated: 2025-12-22. Review status: criteria provided, single submitter. Criteria: Invitae Variant Classification Sherloc (09022015). Collection method: clinical testing. Allele origin: germline.
Comment: This sequence change replaces isoleucine, which is neutral and non-polar, with valine, which is neutral and non-polar, at codon 259 of the FANCM protein (p.Ile259Val). This variant is present in population databases (rs150256536, gnomAD 0.009%). This variant has not been reported in the literature in individuals affected with FANCM-related conditions. ClinVar contains an entry for this variant (Variation ID: 645698). An algorithm developed to predict the effect of missense changes on protein structure and function outputs the following: PolyPhen-2: "Benign". The valine amino acid residue is found in multiple mammalian species, which suggests that this missense change does not adversely affect protein function. In summary, the available evidence is currently insufficient to determine the role of this variant in disease. Therefore, it has been classified as a Variant of Uncertain Significance.

GeneDx
Classification: Uncertain significance. Last evaluated: 2024-12-21. Review status: criteria provided, single submitter. Criteria: GeneDx Variant Classification Process June 2021. Collection method: clinical testing. Allele origin: germline. Affected: yes.
Comment: Not observed at significant frequency in large population cohorts (gnomAD); In silico analysis indicates that this missense variant does not alter protein structure/function; This variant is associated with the following publications: (PMID: 28881617, 26689913)

Fulgent Genetics
Classification: Uncertain significance for Spermatogenic failure 28; Premature ovarian failure 15. Last evaluated: 2022-01-26. Review status: criteria provided, single submitter. Criteria: ACMG Guidelines, 2015. Collection method: clinical testing. Allele origin: unknown.

NM_020937.4(FANCM):c.775A>G (p.Ile259Val)

Gene: FANCM (FA complementation group M; plus strand). Cytogenetic location: 14q21.2.
Variant type: single nucleotide variant.
Coding change: c.775A>G on transcript NM_020937.4 (MANE Select); coding-DNA position 775, A replaced by G.
Protein change: p.Ile259Val; replaces isoleucine 259 with valine.
Molecular consequence: missense variant.
Genome position (GRCh38, 1-based): chr14:45,148,852, A>G. VCF-style: chr14-45148852-A-G. GRCh37 (hg19) VCF-style: chr14-45618055-A-G.
Other names: c.697A>G, p.Ile233Val (NM_001308133.2); c.775A>G, p.Ile259Val (NM_001308134.2); short protein forms I233V, I259V.
Identifiers: ClinVar variation 645698 (VCV000645698.16), dbSNP rs150256536, ClinGen allele CA7168854.